The following is an entry in ClinVar:

ClinVar aggregate classification (germline): Likely pathogenic (1 of 4 stars; one submission).

Conditions:
Refsum disease, classic. Also called: PHYH-Related Refsum Disease; HEREDOPATHIA ATACTICA POLYNEURITIFORMIS; HMSN IV; PHYTANIC ACID OXIDASE DEFICIENCY. Identifiers: Orphanet 773, MedGen C5780941, MONDO:1060256, OMIM 266500. Disease mechanism: loss of function.

Submission:

Myriad Genetics, Inc.
Classification: Likely pathogenic for Refsum disease, classic. Last evaluated: 2022-04-04. Review status: criteria provided, single submitter. Criteria: Myriad Women's Health Autosomal Recessive and X-Linked Classification Criteria (2021). Collection method: clinical testing. Allele origin: unknown.
Comment: NM_006214.3(PHYH):c.488delC(P163Qfs*55) is expected to be pathogenic in the context of PHYH-related refsum disease. This variant is predicted to lead to an abnormal or absent protein product due to the creation of a premature termination codon in PHYH, a gene where loss-of-function variants are known to be pathogenic. Please note: this variant was assessed in the context of healthy population screening.

NM_006214.4(PHYH):c.488del (p.Pro163fs)

Gene: PHYH (phytanoyl-CoA 2-hydroxylase; minus strand). Cytogenetic location: 10p13.
Variant type: Deletion.
Coding change: c.488del on transcript NM_006214.4 (MANE Select); coding-DNA position 488, one base deleted (C; older notation c.488delC).
Protein change: p.Pro163fs; shifts the reading frame from proline 163.
Molecular consequence: frameshift variant. On other transcripts: intron variant (1).
Genome position (GRCh38, 1-based): chr10:13,291,839, G deleted on the plus strand (C on the coding strand, the reverse complement: PHYH is on the minus strand); the first of 2 consecutive G bases (chr10:13,291,839-13,291,840); deleting either gives the same sequence. VCF-style (leftmost placement, unchanged base first): chr10-13291838-TG-T. GRCh37 (hg19) VCF-style: chr10-13333838-TG-T.
Other names: c.188del, p.Pro63fs (NM_001037537.2, NM_001323080.2, NM_001323084.2); c.488del, p.Pro163fs (NM_001323082.2); c.414+2589del (NM_001323083.2); short protein forms P163fs, P63fs.
Identifiers: ClinVar variation 1725861 (VCV001725861.2), dbSNP rs2538650629, ClinGen allele CA2580081350.